The following is an entry in ClinVar:

NM_000552.5(VWF):c.3944G>A (p.Arg1315His)

Gene: VWF (von Willebrand factor; minus strand). Cytogenetic location: 12p13.31.
Variant type: single nucleotide variant.
Coding change: c.3944G>A on transcript NM_000552.5 (MANE Select); coding-DNA position 3944, G replaced by A.
Protein change: p.Arg1315His; replaces arginine 1315 with histidine.
Molecular consequence: missense variant.
Genome position (GRCh38, 1-based): chr12:6,019,474, C>T on the plus strand (G>A on the coding strand, the complement: VWF is on the minus strand). VCF-style: chr12-6019474-C-T. GRCh37 (hg19) VCF-style: chr12-6128640-C-T.
Other names: NM_000552.5(VWF):c.3944G>A; short protein forms R1315H.
Identifiers: ClinVar variation 100311 (VCV000100311.18), dbSNP rs61749396, ClinGen allele CA228504.
Genomic context (GRCh38, chr12:6,019,474, plus strand): 5'-TTCCGGTCCTTGAGCCCGATGTAGGCGTGGGAGCCGTCGTGGTACTCCACCACGGCCACG[C>T]GGACCCACTTCTGGGAGATGCGCAGCCGCTCCATCATGTCCACCACAAAGGCCTTCAGCA-3'
Protein context (NP_000543.3, residues 1305-1325): ERLRISQKWV[Arg1315His]VAVVEYHDGS

ClinVar aggregate classification (germline): Likely pathogenic. Review status: reviewed by expert panel (3 of 4 stars). 13 submissions from 13 submitters: Likely pathogenic (1). 12 of the submissions do not count toward it. Last evaluated 2024-08-12.

Conditions:
Inborn genetic diseases. Identifiers: MedGen C0950123, MeSH D030342.
von Willebrand disease type 2 (VWD2). Also called: VON WILLEBRAND DISEASE, TYPE II; VWD, TYPE 2; VON WILLEBRAND DISEASE, TYPE 2A/IIE; VON WILLEBRAND DISEASE, TYPE 2CB. Identifiers: Orphanet 166081, Orphanet 903, MedGen C1264040, MONDO:0013304, OMIM 613554.
von Willebrand disorder (VWD). Also called: von Willebrand Diseases; von Willebrand's disease; Von Willebrand disease (hereditary or acquired). Identifiers: MedGen C0042974, MeSH D014842, MONDO:0024574.
VWF-related disorder. Also called: VWF-related disorders; VWF-related condition.
von Willebrand disease type 2M (VWD2M). Identifiers: Orphanet 166090, MedGen C1282974, MONDO:0015630.
von Willebrand disease type 1 (VWD1). Also called: VON WILLEBRAND DISEASE, TYPE I; VWD, TYPE 1. Identifiers: Orphanet 166078, Orphanet 903, MedGen C1264039, MONDO:0008668, OMIM 193400. Inheritance: autosomal recessive or autosomal dominant.

Allele frequency attached by ClinVar (database versions not stated): gnomAD 0.00001; gnomAD exomes 0.00001 and 0.00002; ExAC 0.00003; ESP Exome Variant Server 0.00008; TOPMed 0.00015.
gnomAD v4.1: 27 of 1,613,798 alleles (0.0017%); highest among the groups gnomAD compares: Admixed American, 0.0067%; no homozygotes.

Submissions 1 to 7 of 13:

ClinGen von Willebrand Disease Variant Curation Expert Panel, ClinGen
Classification: Likely pathogenic for von Willebrand disease type 2M. Last evaluated: 2024-08-12. Review status: reviewed by expert panel. Criteria: ClinGen VWD 2A B M Rules. Collection method: curation. Allele origin: germline. Inheritance: Autosomal dominant inheritance.
Comment: The missense variant NM_000552.5(VWF):c.3944G>A (p.Arg1315His) is a rare variant which occurs at a Grpmax filtering allele frequency in gnomAD v4.1 is 0.00002255 (based on 4/60004 alleles in the Admixed American population), which is lower than the ClinGen VWD VCEP threshold of <0.0001 (PM2_supporting). The computational predictor REVEL gives a score of 0.815, which is above the ClinGen VWD VCEP threshold of >0.644 and predicts a damaging effect on VWF function (PP3). At least 3 additional probands have been reported with this variant and VWD reported as type 1 (but with VWF:RCo/VWF:Ag ratio <0.7) or type 2M (PMID: 26986123, 25689060, 16985174; PS4_moderate). In summary, the variant meets the criteria to be classified as Likely Pathogenic for von Willebrand disease type 2M based on the ACMG/AMP criteria applied, as specified by the ClinGen VWD VCEP: PM2_supporting, PP3, PP4_moderate, PS4_moderate.

GeneDx
Classification: Uncertain significance. Last evaluated: 2026-05-26. Review status: criteria provided, single submitter. Criteria: GeneDx Variant Classification Process June 2021. Collection method: clinical testing. Allele origin: germline. Not counted in ClinVar's aggregate classification.
Comment: Observed in multiple unrelated patients with VWD types 1 or 2M in published literature (PMID: 29984440, 26988807, 25689060); In silico analysis suggests that this missense variant does not alter protein structure/function; This variant is associated with the following publications: (PMID: 16985174, 26986123, 34426522, 37647632, 26988807, 29984440, 25689060, 18315556, 17090649, 38534782, 28083987)

Women's Health and Genetics/Laboratory Corporation of America, LabCorp
Classification: Pathogenic for von Willebrand disorder. Last evaluated: 2026-04-13. Review status: criteria provided, single submitter. Criteria: LabCorp Variant Classification Summary - May 2015. Collection method: clinical testing. Allele origin: germline. Not counted in ClinVar's aggregate classification.
Comment: Variant summary: VWF c.3944G>A (p.Arg1315His) results in a non-conservative amino acid change in the encoded protein sequence. Algorithms developed to predict the effect of missense changes on protein structure and function all suggest that this variant is likely to be disruptive. The variant allele was found at a frequency of 2.4e-05 in 250994 control chromosomes (gnomAD). c.3944G>A has been observed in multiple individuals affected with Von Willebrand Disease (e.g. Goodeve_2007, van Schooten_2007, Fidalgo_2016, Elayaperumal_2018). These data indicate that the variant is very likely to be associated with disease. A different variant affecting the same codon has been classified as pathogenic by our lab (c.3943C>T, p.Arg1315Cys), supporting the critical relevance of codon 1315 to VWF protein function. The following publications have been ascertained in the context of this evaluation (PMID: 16985174, 26988807, 17090649, 29984440). ClinVar contains an entry for this variant (Variation ID: 100311). Based on the evidence outlined above, the variant was classified as pathogenic.

Quest Diagnostics Nichols Institute San Juan Capistrano
Classification: Likely pathogenic. Last evaluated: 2025-08-11. Review status: criteria provided, single submitter. Criteria: Quest Diagnostics criteria. Collection method: clinical testing. Allele origin: unknown. Not counted in ClinVar's aggregate classification.
Comment: The VWF c.3944G>A (p.Arg1315His) variant has been reported in the published literature in heterozygous individuals affected with Type 1 von Willebrand disease (vWD) (PMID: 25689060 (2015), 26988807 (2016)), and in other individuals also carrying other VWF variants affected with Type 1, 2B, and 2M vWD (PMID: 16985174 (2007), 17090649 (2007), 25689060 (2015), 26988807 (2016), 28083987 (2017)). A compound heterozygous individual affected with Type 3 vWD was reported as well (PMID: 29984440 (2018)). The frequency of this variant in the general population (Genome Aggregation Database) is uninformative in the assessment of its pathogenicity. Analysis of this variant using bioinformatics tools for the prediction of the effect of amino acid changes on protein structure and function yielded predictions that this variant is damaging. Based on the available information, this variant is classified as likely pathogenic.

New York Genome Center
Classification: Likely pathogenic for von Willebrand disease type 2; von Willebrand disease type 1. Last evaluated: 2025-06-18. Review status: criteria provided, single submitter. Criteria: NYGC Assertion Criteria 2020. Collection method: clinical testing. Allele origin: inherited. Observed: 1 variant allele, 1 heterozygote. Not counted in ClinVar's aggregate classification.
Comment: The c.3944G>A variant in VWF has been previously reported in the literature in a heterozygous state in multiple individuals affected with Von Willebrand disease type 2M [PMID: 26986123, 25689060, 26988807]. This variant has been associated with excessive mucocutaneous bleeding, abnormal collagen binding activity, low platelet VWF levels (0.66), and a normal VWF multimeric pattern; which are consistent with VWF type 2M [PMID: 20301765]. The c.3944G>A variant in VWF has been deposited in ClinVar as likely pathogenic by multiple submitters including by the ClinGen von Willebrand Disease Variant Curation Expert Panel [ClinVar ID: 100311]. The c.3944G>A variant is observed in 27 alleles (~0.0016% minor allele frequency with 0 homozygotes) in the gnomAD v4.1.0 database, suggesting it is not a common benign variant in the populations represented in that dataset. The c.3944G>A variant in VWF is in a mutational hotspot region of exon 28 [PMID: 23179108, 20301765] of this 52-exon gene and predicted to replace a conserved arginine amino acid with histidine at position 1315 (p.(Arg1315His)) located in the A1 domain of the encoded protein [PMID:26986123]. In silico predictions are in favor of damaging effect for p.(Arg1315His) [(CADD v1.6 = 26.0, REVEL = 0.815)]; however, there are no functional studies to support or refute these predictions. Two different VWF missense variants p.(Arg1315Cys) and p.(Arg1315Leu) affecting the same amino acid residue(Arg1315) have been reported in the literature [PMID: 21711445, 21794096, 38315875] and in ClinVar as Pathogenic or Likely Pathogenic [ClinVar IDs: 100310, 100312] in individuals with Von Willebrand disease type 2M. Based on available evidence this heterozygous c.3944G>A, p.(Arg1315His) variant identified in VWF is classified as likely pathogenic.

Center for Genomic Medicine, Rigshospitalet, Copenhagen University Hospital
Classification: Likely pathogenic. Last evaluated: 2025-03-04. Review status: criteria provided, single submitter. Criteria: ACMG Guidelines, 2015. Collection method: clinical testing. Allele origin: germline. Not counted in ClinVar's aggregate classification.

Dasa
Classification: Likely pathogenic. Last evaluated: 2024-11-18. Review status: criteria provided, single submitter. Criteria: DASA Assertion Criteria. Collection method: clinical testing. Allele origin: germline. Not counted in ClinVar's aggregate classification.
Comment: NM_000552.5(VWF):c.3944G>A (p.Arg1315His) is a missense variant that results in the substitution of arginine with histidine. The affected residue or protein region has prior evidence supporting clinical relevance. This variant has been observed in affected individuals with VWF-related disorders. Also, this variant is rare in population databases. Computational evidence supports a deleterious effect. Based on the currently available evidence, this variant is classified as likely pathogenic.